The following is an entry in ClinVar:

NM_000548.5(TSC2):c.648+17C>A

Gene: TSC2 (TSC complex subunit 2; plus strand). Cytogenetic location: 16p13.3.
Variant type: single nucleotide variant.
Coding change: c.648+17C>A on transcript NM_000548.5 (MANE Select); 17 bases into the intron after coding-DNA position 648, C replaced by A.
Molecular consequence: intron variant.
Genome position (GRCh38, 1-based): chr16:2,056,261, C>A. VCF-style: chr16-2056261-C-A. GRCh37 (hg19) VCF-style: chr16-2106262-C-A.
Other names: c.648+17C>A (NM_001114382.3, NM_021055.3, NM_001370405.1 and 3 more transcripts); c.537+17C>A (NM_001318827.2); c.48+17C>A (NM_001318831.2); c.501+17C>A (NM_001318829.2); c.681+17C>A (NM_001318832.2).
Identifiers: ClinVar variation 385872 (VCV000385872.13), dbSNP rs755431618, ClinGen allele CA055880.

ClinVar aggregate classification (germline): Likely benign. Review status: criteria provided, multiple submitters, no conflicts (2 of 4 stars). 3 submissions from 3 submitters: Likely benign (3). Last evaluated 2025-11-10.

Conditions:
Lymphangiomyomatosis (LAM). Also called: Lymphangioleiomyomatosis, somatic; Lymphangioleiomyomatosis. Identifiers: Orphanet 538, MedGen C0751674, MONDO:0011705, OMIM 606690.
Tuberous sclerosis 2 (TSC2). Identifiers: Orphanet 805, MedGen C1860707, MONDO:0013199, OMIM 613254.
Isolated focal cortical dysplasia type II (FCORD2). Also called: CORTICAL DYSPLASIA OF TAYLOR; Focal cortical dysplasia type II. Identifiers: Orphanet 268994, MedGen C1846385, MONDO:0011818, OMIM 607341, HP:0032051.

Allele frequency attached by ClinVar (database versions not stated): gnomAD exomes below 0.00001; gnomAD 0.00001; TOPMed 0.00001; ExAC 0.00002.
gnomAD v4.1: 2 of 1,613,818 alleles (0.00012%); highest among the groups gnomAD compares: African/African-American, 0.0027%; no homozygotes.

Submissions (3):

Labcorp Genetics (formerly Invitae), Labcorp
Classification: Likely benign for Tuberous sclerosis 2. Last evaluated: 2025-11-10. Review status: criteria provided, single submitter. Criteria: Invitae Variant Classification Sherloc (09022015). Collection method: clinical testing. Allele origin: germline.

Fulgent Genetics
Classification: Likely benign for Lymphangiomyomatosis; Isolated focal cortical dysplasia type II; Tuberous sclerosis 2. Last evaluated: 2021-10-04. Review status: criteria provided, single submitter. Criteria: ACMG Guidelines, 2015. Collection method: clinical testing. Allele origin: unknown.

GeneDx
Classification: Likely benign. Last evaluated: 2017-08-07. Review status: criteria provided, single submitter. Criteria: GeneDx Variant Classification (06012015). Collection method: clinical testing. Allele origin: germline. Affected: yes.
Comment: This variant is considered likely benign or benign based on one or more of the following criteria: it is a conservative change, it occurs at a poorly conserved position in the protein, it is predicted to be benign by multiple in silico algorithms, and/or has population frequency not consistent with disease.